The following is an entry in ClinVar:

ClinVar aggregate classification (germline): Uncertain significance (1 of 4 stars; one submission).

Conditions:
Hereditary cancer-predisposing syndrome. Also called: Neoplastic Syndromes, Hereditary; Tumor predisposition; Hereditary Cancer Syndrome; Hereditary neoplastic syndrome. Identifiers: Orphanet 140162, MedGen C0027672, MeSH D009386, MONDO:0015356.

Submission:

Ambry Genetics
Classification: Uncertain significance for Hereditary cancer-predisposing syndrome. Last evaluated: 2021-08-09. Review status: criteria provided, single submitter. Criteria: Ambry Variant Classification Scheme 2023. Collection method: clinical testing. Allele origin: germline.
Comment: The p.F336L variant (also known as c.1006T>C), located in coding exon 10 of the RB1 gene, results from a T to C substitution at nucleotide position 1006. The phenylalanine at codon 336 is replaced by leucine, an amino acid with highly similar properties. This amino acid position is highly conserved in available vertebrate species. In addition, this alteration is predicted to be deleterious by in silico analysis. Since supporting evidence is limited at this time, the clinical significance of this alteration remains unclear.

NM_000321.3(RB1):c.1006T>C (p.Phe336Leu)

Gene: RB1 (RB transcriptional corepressor 1; plus strand). Cytogenetic location: 13q14.2.
Variant type: single nucleotide variant.
Coding change: c.1006T>C on transcript NM_000321.3 (MANE Select); coding-DNA position 1006, T replaced by C.
Protein change: p.Phe336Leu; replaces phenylalanine 336 with leucine.
Molecular consequence: missense variant.
Genome position (GRCh38, 1-based): chr13:48,367,560, T>C. VCF-style: chr13-48367560-T-C. GRCh37 (hg19) VCF-style: chr13-48941696-T-C.
Other names: c.1006T>C, p.Phe336Leu (NM_001407165.1, NM_001407166.1); short protein forms F336L.
Identifiers: ClinVar variation 1786011 (VCV001786011.2), dbSNP rs2542188582, ClinGen allele CA388160790.